The following is an entry in ClinVar:

NM_000051.4(ATM):c.1620C>T (p.Cys540=)

Gene: ATM (ATM serine/threonine kinase; plus strand). Cytogenetic location: 11q22.3.
Variant type: single nucleotide variant.
Coding change: c.1620C>T on transcript NM_000051.4 (MANE Select); coding-DNA position 1620, C replaced by T.
Protein change: p.Cys540=; no amino-acid change (cysteine 540 retained).
Molecular consequence: synonymous variant.
Genome position (GRCh38, 1-based): chr11:108,251,849, C>T. VCF-style: chr11-108251849-C-T. GRCh37 (hg19) VCF-style: chr11-108122576-C-T.
Other names: c.1620C>T, p.Cys540= (NM_001351834.2).
Identifiers: ClinVar variation 482677 (VCV000482677.15), dbSNP rs1555071676, ClinGen allele CA476672030.

ClinVar aggregate classification (germline): Benign/Likely benign. Review status: criteria provided, multiple submitters, no conflicts (2 of 4 stars). 3 submissions from 3 submitters: Benign (1); Likely benign (2). Last evaluated 2025-07-07.

Conditions:
Familial cancer of breast. Also called: BREAST CANCER, FAMILIAL; Hereditary breast cancer; hereditary breast carcinoma. Identifiers: Orphanet 227535, MedGen C0346153, MONDO:0016419, OMIM 114480. Disease mechanism: loss of function.
Hereditary cancer-predisposing syndrome. Also called: Hereditary neoplastic syndrome; Neoplastic Syndromes, Hereditary; Tumor predisposition; Hereditary Cancer Syndrome. Identifiers: Orphanet 140162, MedGen C0027672, MeSH D009386, MONDO:0015356.
Ataxia-telangiectasia syndrome (AT). Also called: LOUIS-BAR SYNDROME; Cerebello-oculocutaneous telangiectasia; Immunodeficiency with ataxia telangiectasia; AT, COMPLEMENTATION GROUP C; Ataxia-telangiectasia, complementation group D; ATAXIA-TELANGIECTASIA, COMPLEMENTATION GROUP A. Identifiers: Orphanet 100, MedGen C0004135, MONDO:0008840, OMIM 208900.

Allele frequency attached by ClinVar (database versions not stated): gnomAD exomes below 0.00001.
gnomAD v4.1: 1 of 1,613,728 alleles (0.000062%); no homozygotes.

Submissions (3):

Labcorp Genetics (formerly Invitae), Labcorp
Classification: Likely benign for Ataxia-telangiectasia syndrome. Last evaluated: 2025-07-07. Review status: criteria provided, single submitter. Criteria: Invitae Variant Classification Sherloc (09022015). Collection method: clinical testing. Allele origin: germline.

Myriad Genetics, Inc.
Classification: Benign for Familial cancer of breast. Last evaluated: 2024-04-30. Review status: criteria provided, single submitter. Criteria: Myriad Autosomal Dominant, Autosomal Recessive and X-Linked Classification Criteria (2023). Collection method: clinical testing. Allele origin: unknown.
Comment: This variant is considered benign. This variant is a silent/synonymous amino acid change and it is not expected to impact splicing.

Ambry Genetics
Classification: Likely benign for Hereditary cancer-predisposing syndrome. Last evaluated: 2017-01-12. Review status: criteria provided, single submitter. Criteria: Ambry Variant Classification Scheme 2023. Collection method: clinical testing. Allele origin: germline.